The following is an entry in ClinVar:

NM_015271.5(TRIM2):c.2049G>A (p.Met683Ile)

Gene: TRIM2 (tripartite motif containing 2; plus strand). Cytogenetic location: 4q31.3.
Variant type: single nucleotide variant.
Coding change: c.2049G>A on transcript NM_015271.5 (MANE Select); coding-DNA position 2049, G replaced by A.
Protein change: p.Met683Ile; replaces methionine 683 with isoleucine.
Molecular consequence: missense variant.
Genome position (GRCh38, 1-based): chr4:153,328,556, G>A. VCF-style: chr4-153328556-G-A. GRCh37 (hg19) VCF-style: chr4-154249708-G-A.
Other names: c.1968G>A, p.Met656Ile (NM_001130067.2); c.2034G>A, p.Met678Ile (NM_001351054.2); c.2031G>A, p.Met677Ile (NM_001351055.2); c.1980G>A, p.Met660Ile (NM_001351056.2); c.1593G>A, p.Met531Ile (NM_001351057.2); short protein forms M656I, M683I, M531I, M677I, M678I, M660I.
Identifiers: ClinVar variation 655053 (VCV000655053.8), dbSNP rs1579783522, ClinGen allele CA358470619.

ClinVar aggregate classification (germline): Uncertain significance (1 of 4 stars; one submission).

Conditions:
Charcot-Marie-Tooth disease type 2R. Also called: Charcot-Marie-Tooth disease, axonal, type 2R; CHARCOT-MARIE-TOOTH DISEASE, AXONAL, AUTOSOMAL RECESSIVE, TYPE 2R; CHARCOT-MARIE-TOOTH NEUROPATHY, TYPE 2R. Identifiers: Orphanet 397968, MedGen C3809655, MONDO:0014208, OMIM 615490.

Submission:

Labcorp Genetics (formerly Invitae), Labcorp
Classification: Uncertain significance for Charcot-Marie-Tooth disease type 2R. Last evaluated: 2018-08-02. Review status: criteria provided, single submitter. Criteria: Invitae Variant Classification Sherloc (09022015). Collection method: clinical testing. Allele origin: germline.
Comment: In summary, the available evidence is currently insufficient to determine the role of this variant in disease. Therefore, it has been classified as a Variant of Uncertain Significance. This sequence change replaces methionine with isoleucine at codon 656 of the TRIM2 protein (p.Met656Ile). The methionine residue is moderately conserved and there is a small physicochemical difference between methionine and isoleucine. This variant is not present in population databases (ExAC no frequency). This variant has not been reported in the literature in individuals with TRIM2-related disease. Algorithms developed to predict the effect of missense changes on protein structure and function output the following: SIFT: "Tolerated"; PolyPhen-2: "Benign"; Align-GVGD: "Class C0". The isoleucine amino acid residue is found in multiple mammalian species, suggesting that this missense change does not adversely affect protein function. These predictions have not been confirmed by published functional studies and their clinical significance is uncertain.